The following is an entry in ClinVar:

ClinVar aggregate classification (germline): Uncertain significance. Review status: criteria provided, multiple submitters, no conflicts (2 of 4 stars). 2 submissions from 2 submitters: Uncertain significance (2). Last evaluated 2026-02-17.

Conditions:
Alstrom syndrome (ALMS). Identifiers: Orphanet 64, MedGen C0268425, MONDO:0008763, OMIM 203800.

Allele frequency attached by ClinVar (database versions not stated): gnomAD exomes below 0.00001.

Submissions (2):

GeneDx
Classification: Uncertain significance. Last evaluated: 2026-02-17. Review status: criteria provided, single submitter. Criteria: GeneDx Variant Classification Process June 2021. Collection method: clinical testing. Allele origin: germline.
Comment: Not observed at significant frequency in large population cohorts (gnomAD); In silico analysis supports that this missense variant has a deleterious effect on protein structure/function; Has not been previously published as pathogenic or benign to our knowledge

Labcorp Genetics (formerly Invitae), Labcorp
Classification: Uncertain significance for Alstrom syndrome. Last evaluated: 2022-07-06. Review status: criteria provided, single submitter. Criteria: Invitae Variant Classification Sherloc (09022015). Collection method: clinical testing. Allele origin: germline.
Comment: This sequence change replaces proline, which is neutral and non-polar, with leucine, which is neutral and non-polar, at codon 2128 of the ALMS1 protein (p.Pro2128Leu). This variant is not present in population databases (gnomAD no frequency). This variant has not been reported in the literature in individuals affected with ALMS1-related conditions. ClinVar contains an entry for this variant (Variation ID: 1414397). Experimental studies and prediction algorithms are not available or were not evaluated, and the functional significance of this variant is currently unknown. In summary, the available evidence is currently insufficient to determine the role of this variant in disease. Therefore, it has been classified as a Variant of Uncertain Significance.

NM_001378454.1(ALMS1):c.6380C>T (p.Pro2127Leu)

Gene: ALMS1 (ALMS1 centrosome and basal body associated protein; plus strand). Cytogenetic location: 2p13.1.
Variant type: single nucleotide variant.
Coding change: c.6380C>T on transcript NM_001378454.1 (MANE Select); coding-DNA position 6380, C replaced by T.
Protein change: p.Pro2127Leu; replaces proline 2127 with leucine.
Molecular consequence: missense variant.
Genome position (GRCh38, 1-based): chr2:73,452,907, C>T. VCF-style: chr2-73452907-C-T. GRCh37 (hg19) VCF-style: chr2-73680034-C-T.
Other names: c.6383C>T, p.Pro2128Leu (NM_015120.4); short protein forms P2128L, P2127L.
Identifiers: ClinVar variation 1414397 (VCV001414397.4), dbSNP rs2103789910, ClinGen allele CA347285871.